The following is an entry in ClinVar:

ClinVar aggregate classification (germline): Benign (0 of 4 stars; one submission).

Conditions:
GIGYF2-related disorder. Also called: GIGYF2-related condition.

gnomAD v4.1: 593 of 1,613,876 alleles (0.037%); highest among the groups gnomAD compares: African/African-American, 0.72%; no homozygotes.

Submission:

PreventionGenetics, part of Exact Sciences
Classification: Benign for GIGYF2-related condition. Last evaluated: 2024-04-25. Review status: no assertion criteria provided. Collection method: clinical testing. Allele origin: germline.
Comment: This variant is classified as benign based on ACMG/AMP sequence variant interpretation guidelines (Richards et al. 2015 PMID: 25741868, with internal and published modifications).

NM_001103146.3(GIGYF2):c.2784G>C (p.Thr928=)

Gene: GIGYF2 (GRB10 interacting GYF protein 2; plus strand). Cytogenetic location: 2q37.1.
Variant type: single nucleotide variant.
Coding change: c.2784G>C on transcript NM_001103146.3 (MANE Select); coding-DNA position 2784, G replaced by C.
Protein change: p.Thr928=; no amino-acid change (threonine 928 retained).
Molecular consequence: synonymous variant. On other transcripts: non-coding transcript variant (1).
Genome position (GRCh38, 1-based): chr2:232,839,866, G>C. VCF-style: chr2-232839866-G-C. GRCh37 (hg19) VCF-style: chr2-233704576-G-C.
Other names: c.2847G>C, p.Thr949= (NM_001103147.2); c.2766G>C, p.Thr922= (NM_001103148.2); c.2784G>C, p.Thr928= (NM_015575.4).
Identifiers: ClinVar variation 3357218 (VCV003357218.1).